The following is an entry in ClinVar:

NC_000023.11:g.(?_22033006)_(22077702_?)del

Gene: PHEX (phosphate regulating endopeptidase X-linked; plus strand). Cytogenetic location: Xp22.11.
Variant type: Deletion.
Identifiers: ClinVar variation 832549 (VCV000832549.8).

ClinVar aggregate classification (germline): Pathogenic (1 of 4 stars; one submission).

Submission:

Labcorp Genetics (formerly Invitae), Labcorp
Classification: Pathogenic. Last evaluated: 2022-06-13. Review status: criteria provided, single submitter. Criteria: Invitae Variant Classification Sherloc (09022015). Collection method: clinical testing. Allele origin: germline.
Comment: For these reasons, this variant has been classified as Pathogenic. A similar copy number variant has been observed in individual(s) with PHEX-related conditions (Invitae). This variant is a gross deletion of the genomic region encompassing exon(s) 1-5 of the PHEX gene, which includes the initiator codon. This deletion extends beyond the assayed region for this gene and therefore may encompass additional genes. It is expected to result in an absent or disrupted protein product. Loss-of-function variants in PHEX are known to be pathogenic (PMID: 9097956, 9106524, 19219621).

Literature cited by the submitters: PubMed 9097956; PubMed 9106524; PubMed 19219621.